The following is an entry in ClinVar:

NM_152703.5(SAMD9L):c.53A>T (p.His18Leu)

Gene: SAMD9L (sterile alpha motif domain containing 9 like; minus strand). Cytogenetic location: 7q21.2.
Variant type: single nucleotide variant.
Coding change: c.53A>T on transcript NM_152703.5 (MANE Select); coding-DNA position 53, A replaced by T.
Protein change: p.His18Leu; replaces histidine 18 with leucine.
Molecular consequence: missense variant.
Genome position (GRCh38, 1-based): chr7:93,135,919, T>A on the plus strand (A>T on the coding strand, the complement: SAMD9L is on the minus strand). VCF-style: chr7-93135919-T-A. GRCh37 (hg19) VCF-style: chr7-92765232-T-A.
Other names: c.53A>T, p.His18Leu (NM_001303496.3, NM_001303497.3, NM_001303498.3 and 5 more transcripts); c.53A>T (NM_152703.2); short protein forms H18L.
Identifiers: ClinVar variation 1490691 (VCV001490691.10), dbSNP rs775639821, ClinGen allele CA4343941.

ClinVar aggregate classification (germline): Uncertain significance. Review status: criteria provided, multiple submitters, no conflicts (2 of 4 stars). 2 submissions from 2 submitters: Uncertain significance (2). Last evaluated 2025-05-04.

Conditions:
Inborn genetic diseases. Identifiers: MedGen C0950123, MeSH D030342.

Allele frequency attached by ClinVar (database versions not stated): gnomAD 0.00004; TOPMed 0.00003.
gnomAD v4.1: 26 of 1,611,736 alleles (0.0016%); highest among the groups gnomAD compares: Non-Finnish European, 0.00025%; no homozygotes.

Submissions (2):

Ambry Genetics
Classification: Uncertain significance for Inborn genetic diseases. Last evaluated: 2025-05-04. Review status: criteria provided, single submitter. Criteria: Ambry Variant Classification Scheme 2023. Collection method: clinical testing. Allele origin: germline.

Labcorp Genetics (formerly Invitae), Labcorp
Classification: Uncertain significance. Last evaluated: 2025-03-10. Review status: criteria provided, single submitter. Criteria: Invitae Variant Classification Sherloc (09022015). Collection method: clinical testing. Allele origin: germline.
Comment: This sequence change replaces histidine with leucine at codon 18 of the SAMD9L protein (p.His18Leu). The histidine residue is moderately conserved and there is a moderate physicochemical difference between histidine and leucine. This variant is present in population databases (rs775639821, gnomAD 0.08%). This variant has not been reported in the literature in individuals affected with SAMD9L-related conditions. ClinVar contains an entry for this variant (Variation ID: 1490691). An algorithm developed to predict the effect of missense changes on protein structure and function (PolyPhen-2) suggests that this variant is likely to be disruptive. In summary, the available evidence is currently insufficient to determine the role of this variant in disease. Therefore, it has been classified as a Variant of Uncertain Significance.